The following is an entry in ClinVar:

ClinVar aggregate classification (germline): Benign/Likely benign. Review status: criteria provided, multiple submitters, no conflicts (2 of 4 stars). 7 submissions from 7 submitters: Benign (1); Likely benign (3). 3 of the submissions do not count toward it. Last evaluated 2026-02-03.

Conditions:
CTNNA1-related disorder. Also called: CTNNA1-related condition.
Hereditary diffuse gastric adenocarcinoma (HDGC). Also called: DIFFUSE GASTRIC AND LOBULAR BREAST CANCER SYNDROME. Identifiers: Orphanet 26106, MedGen C1708349, MONDO:0007648, OMIM 137215.
Hereditary cancer-predisposing syndrome. Also called: Tumor predisposition; Hereditary neoplastic syndrome; Hereditary Cancer Syndrome; Neoplastic Syndromes, Hereditary. Identifiers: Orphanet 140162, MedGen C0027672, MeSH D009386, MONDO:0015356.

Allele frequency attached by ClinVar (database versions not stated): gnomAD exomes 0.00003 and 0.00008; ExAC 0.00006; gnomAD 0.00016 and 0.00021; TOPMed 0.00021; ESP Exome Variant Server 0.00031.
gnomAD v4.1: 70 of 1,614,092 alleles (0.0043%); highest among the groups gnomAD compares: African/African-American, 0.069%; no homozygotes.

Submissions (7):

Labcorp Genetics (formerly Invitae), Labcorp
Classification: Likely benign. Last evaluated: 2026-02-03. Review status: criteria provided, single submitter. Criteria: Invitae Variant Classification Sherloc (09022015). Collection method: clinical testing. Allele origin: germline.

Myriad Genetics, Inc.
Classification: Benign for Hereditary diffuse gastric adenocarcinoma. Last evaluated: 2024-10-11. Review status: criteria provided, single submitter. Criteria: Myriad Autosomal Dominant, Autosomal Recessive and X-Linked Classification Criteria (2023). Collection method: clinical testing. Allele origin: unknown.
Comment: This variant is considered benign. This variant is a silent/synonymous amino acid change and it is not expected to impact splicing.

Blueprint Genetics
Classification: Likely benign. Last evaluated: 2023-12-01. Review status: criteria provided, single submitter. Criteria: ACMG Guidelines, 2015. Collection method: clinical testing. Allele origin: germline.

Ambry Genetics
Classification: Likely benign for Hereditary cancer-predisposing syndrome. Last evaluated: 2020-07-31. Review status: criteria provided, single submitter. Criteria: Ambry Variant Classification Scheme 2023. Collection method: clinical testing. Allele origin: germline.

PreventionGenetics, part of Exact Sciences
Classification: Likely benign for CTNNA1-related condition. Last evaluated: 2022-06-09. Review status: no assertion criteria provided. Collection method: clinical testing. Allele origin: germline. Not counted in ClinVar's aggregate classification.
Comment: This variant is classified as likely benign based on ACMG/AMP sequence variant interpretation guidelines (Richards et al. 2015 PMID: 25741868, with internal and published modifications).

Clinical Genetics DNA and cytogenetics Diagnostics Lab, Erasmus MC, Erasmus Medical Center
Classification: Likely benign. Review status: no assertion criteria provided. Collection method: clinical testing. Allele origin: germline. Affected: yes. Study: VKGL Data-share Consensus. Not counted in ClinVar's aggregate classification.

Clinical Genetics, Academic Medical Center
Classification: Likely benign. Review status: no assertion criteria provided. Collection method: clinical testing. Allele origin: germline. Affected: yes. Study: VKGL Data-share Consensus. Not counted in ClinVar's aggregate classification.

NM_001903.5(CTNNA1):c.1461T>C (p.Phe487=)

Gene: CTNNA1 (catenin alpha 1; plus strand). Cytogenetic location: 5q31.2.
Variant type: single nucleotide variant.
Coding change: c.1461T>C on transcript NM_001903.5 (MANE Select); coding-DNA position 1461, T replaced by C.
Protein change: p.Phe487=; no amino-acid change (phenylalanine 487 retained).
Molecular consequence: synonymous variant.
Genome position (GRCh38, 1-based): chr5:138,917,813, T>C. VCF-style: chr5-138917813-T-C. GRCh37 (hg19) VCF-style: chr5-138253502-T-C.
Other names: c.1461T>C, p.Phe487= (NM_001290307.3, NM_001323982.2, NM_001323983.1 and 2 more transcripts); c.1152T>C, p.Phe384= (NM_001290309.3); c.1092T>C, p.Phe364= (NM_001290310.3); c.351T>C, p.Phe117= (NM_001290312.1, NM_001323987.1, NM_001323988.1 and 17 more transcripts); c.1368T>C, p.Phe456= (NM_001323986.2); c.12T>C, p.Phe4= (NM_001324006.1, NM_001324007.1, NM_001324008.1 and 2 more transcripts); c.258T>C, p.Phe86= (NM_001324011.1); c.108T>C, p.Phe36= (NM_001324012.1, NM_001324013.1); and 1 more.
Identifiers: ClinVar variation 697215 (VCV000697215.20), dbSNP rs28363463, ClinGen allele CA3431957.